The following is an entry in ClinVar:

ClinVar aggregate classification (germline): Likely benign (1 of 4 stars; one submission).

Allele frequency attached by ClinVar (database versions not stated): 1000 Genomes Project 0.00200; 1000 Genomes Project 30x 0.00250; gnomAD 0.00411; TOPMed 0.00413; ESP Exome Variant Server 0.00427; ExAC 0.00445; gnomAD exomes 0.00601.
gnomAD v4.1: 9,163 of 1,585,924 alleles (0.58%); highest among the groups gnomAD compares: Non-Finnish European, 0.71%; 34 homozygotes.

Submission:

CeGaT Center for Human Genetics Tuebingen
Classification: Likely benign. Last evaluated: 2025-06-01. Review status: criteria provided, single submitter. Criteria: CeGaT Center For Human Genetics Tuebingen Variant Classification Criteria Version 2. Collection method: clinical testing. Allele origin: germline. Affected: yes. Observed: 3 variant alleles.
Comment: MROH7: BP4, BS2

NM_001039464.4(MROH7):c.3286-4C>T

Genes: MROH7 (maestro heat like repeat family member 7; plus strand), MROH7-TTC4 (MROH7-TTC4 readthrough (NMD candidate); plus strand). Cytogenetic location: 1p32.3.
Variant type: single nucleotide variant.
Coding change: c.3286-4C>T on transcript NM_001039464.4 (MANE Select); 4 bases into the intron before coding-DNA position 3286, C replaced by T.
Molecular consequence: intron variant.
Genome position (GRCh38, 1-based): chr1:54,702,086, C>T. VCF-style: chr1-54702086-C-T. GRCh37 (hg19) VCF-style: chr1-55167759-C-T.
Other names: c.1840-4C>T (NM_001291332.2).
Identifiers: ClinVar variation 2638834 (VCV002638834.24), dbSNP rs114275039, ClinGen allele CA868623.